The following is an entry in ClinVar:

ClinVar aggregate classification (germline): Uncertain significance (1 of 4 stars; one submission).

Submission:

Labcorp Genetics (formerly Invitae), Labcorp
Classification: Uncertain significance. Last evaluated: 2025-03-04. Review status: criteria provided, single submitter. Criteria: Invitae Variant Classification Sherloc (09022015). Collection method: clinical testing. Allele origin: germline.
Comment: This sequence change replaces asparagine, which is neutral and polar, with threonine, which is neutral and polar, at codon 11 of the TFRC protein (p.Asn11Thr). This variant is not present in population databases (gnomAD no frequency). This variant has not been reported in the literature in individuals affected with TFRC-related conditions. An algorithm developed to predict the effect of missense changes on protein structure and function outputs the following: PolyPhen-2: "Benign". The threonine amino acid residue is found in multiple mammalian species, which suggests that this missense change does not adversely affect protein function. In summary, the available evidence is currently insufficient to determine the role of this variant in disease. Therefore, it has been classified as a Variant of Uncertain Significance.

NM_001128148.3(TFRC):c.32A>C (p.Asn11Thr)

Gene: TFRC (transferrin receptor; minus strand). Cytogenetic location: 3q29.
Variant type: single nucleotide variant.
Coding change: c.32A>C on transcript NM_001128148.3 (MANE Select); coding-DNA position 32, A replaced by C.
Protein change: p.Asn11Thr; replaces asparagine 11 with threonine.
Molecular consequence: missense variant. On other transcripts: 5 prime UTR variant (2).
Genome position (GRCh38, 1-based): chr3:196,077,068, T>G on the plus strand (A>C on the coding strand, the complement: TFRC is on the minus strand). VCF-style: chr3-196077068-T-G. GRCh37 (hg19) VCF-style: chr3-195803939-T-G.
Other names: c.-10A>C (NM_001313965.2); c.-417A>C (NM_001313966.2); c.32A>C, p.Asn11Thr (NM_003234.4); short protein forms N11T.
Identifiers: ClinVar variation 4714336 (VCV004714336.1).